The following is an entry in ClinVar:

NM_001267550.2(TTN):c.57347T>G (p.Val19116Gly)

Genes: TTN (titin; minus strand), TTN-AS1 (TTN antisense RNA 1; plus strand). Cytogenetic location: 2q31.2.
Variant type: single nucleotide variant.
Coding change: c.57347T>G on transcript NM_001267550.2 (MANE Select); coding-DNA position 57347, T replaced by G.
Protein change: p.Val19116Gly; replaces valine 19116 with glycine.
Molecular consequence: missense variant.
Genome position (GRCh38, 1-based): chr2:178,597,735, A>C on the plus strand (T>G on the coding strand, the complement: TTN is on the minus strand). VCF-style: chr2-178597735-A-C. GRCh37 (hg19) VCF-style: chr2-179462462-A-C.
Other names: c.52424T>G, p.Val17475Gly (NM_001256850.1); c.30152T>G, p.Val10051Gly (NM_003319.4); c.49643T>G, p.Val16548Gly (NM_133378.4); c.30527T>G, p.Val10176Gly (NM_133432.3); c.30728T>G, p.Val10243Gly (NM_133437.4); short protein forms V10051G, V10176G, V10243G, V16548G, V17475G, V19116G.
Identifiers: ClinVar variation 3906082 (VCV003906082.10).

ClinVar aggregate classification (germline): Uncertain significance (1 of 4 stars; one submission).

Submission:

CeGaT Center for Human Genetics Tuebingen
Classification: Uncertain significance. Last evaluated: 2025-06-01. Review status: criteria provided, single submitter. Criteria: CeGaT Center For Human Genetics Tuebingen Variant Classification Criteria Version 2. Collection method: clinical testing. Allele origin: germline. Affected: yes. Observed: 1 variant allele.
Comment: TTN: PM2